The following is an entry in ClinVar:

ClinVar aggregate classification (germline): Uncertain significance. Review status: criteria provided, multiple submitters, no conflicts (2 of 4 stars). 2 submissions from 2 submitters: Uncertain significance (2). Last evaluated 2025-05-16.

gnomAD v4.1: 12 of 1,612,822 alleles (0.00074%); highest among the groups gnomAD compares: Admixed American, 0.005%; no homozygotes.

Submissions (2):

Dasa
Classification: Uncertain significance. Last evaluated: 2025-05-16. Review status: criteria provided, single submitter. Criteria: DASA Assertion Criteria. Collection method: clinical testing. Allele origin: germline.
Comment: NM_178857.6(RP1L1):c.1708G>A (p.Glu570Lys) is a missense variant that results in the substitution of glutamic acid with lysine. This variant is rare in population databases. Computational prediction algorithms are consistent with a benign effect. The currently available literature and clinical evidence are not sufficient to establish a definitive association between this variant and the reported condition. Therefore, this variant is classified as a variant of uncertain significance.

Blueprint Genetics
Classification: Uncertain significance. Last evaluated: 2022-02-28. Review status: criteria provided, single submitter. Criteria: ACMG Guidelines, 2015. Collection method: clinical testing. Allele origin: germline.

NM_178857.6(RP1L1):c.1708G>A (p.Glu570Lys)

Gene: RP1L1 (RP1 like 1). Cytogenetic location: 8p23.1.
Variant type: single nucleotide variant.
Coding change: c.1708G>A on transcript NM_178857.6 (MANE Select); coding-DNA position 1708, G replaced by A.
Protein change: p.Glu570Lys; replaces glutamic acid 570 with lysine.
Molecular consequence: missense variant.
Genome position (GRCh38, 1-based): chr8:10,612,390, C>T on the plus strand (G>A on the coding strand, the complement: RP1L1 is on the minus strand). VCF-style: chr8-10612390-C-T. GRCh37 (hg19) VCF-style: chr8-10469900-C-T.
Other names: short protein forms E570K.
Identifiers: ClinVar variation 4881406 (VCV004881406.3).
Genomic context (GRCh38, chr8:10,612,390, plus strand): 5'-GCAGGTCGTCACTCCTTAAAGATGAAAGACTCAGGGCTGGAGAAGCGGGGTCGCCTCCCT[C>T]GCTGGCCTCCTGCTGAGAGGTCTCGGCCCTTGCCTTGCCTGGACAGCCCTGGGGCCGCCC-3'
Protein context (NP_849188.4, residues 560-580): RAETSQQEAS[Glu570Lys]GGDPASPALS